The following is an entry in ClinVar:

NM_006516.4(SLC2A1):c.1174_1231del (p.Ala392fs)

Gene: SLC2A1 (solute carrier family 2 member 1; minus strand). Cytogenetic location: 1p34.2.
Variant type: Deletion.
Coding change: c.1174_1231del on transcript NM_006516.4 (MANE Select); coding-DNA positions 1174 to 1231, 58 bases deleted.
Protein change: p.Ala392fs; shifts the reading frame from alanine 392.
Molecular consequence: frameshift variant.
Genome position (GRCh38, 1-based): chr1:42,927,652-42,927,709, 58 bases deleted. GRCh37 (hg19): chr1:43,393,323-43,393,380.
Other names: short protein forms A392fs.
Identifiers: ClinVar variation 4082111 (VCV004082111.1).

ClinVar aggregate classification (germline): Pathogenic (1 of 4 stars; one submission).

Conditions:
Encephalopathy due to GLUT1 deficiency. Also called: Classic Glucose Transporter Type 1 Deficiency Syndrome; De Vivo disease; GLUT1 deficiency syndrome 1; GLUT1 deficiency syndrome 1, infantile onset, severe; GLUCOSE TRANSPORT DEFECT, BLOOD-BRAIN BARRIER; Glucose transporter protein syndrome. Identifiers: Orphanet 71277, MedGen C4551966, MONDO:0011724, OMIM 606777.

Submission:

Unidad de Genómica Garrahan, Hospital de Pediatría Garrahan
Classification: Pathogenic for Encephalopathy due to GLUT1 deficiency. Last evaluated: 2025-06-24. Review status: criteria provided, single submitter. Criteria: ACMG/ClinGen CNV Guidelines, 2019. Collection method: clinical testing. Allele origin: de novo. Inheritance: Sporadic. Affected: yes. Observed: 1 heterozygote.
Comment: total score : 1.05 (2E/PVS1: 0.90; 4B/assumed de novo: 0.15)